The following is an entry in ClinVar:

NM_015374.3(SUN2):c.1072G>C (p.Glu358Gln)

Genes: GTPBP1 (GTP binding protein 1; plus strand), SUN2 (Sad1 and UNC84 domain containing 2; minus strand). Cytogenetic location: 22q13.1.
Variant type: single nucleotide variant.
Coding change: c.1072G>C on transcript NM_015374.3 (MANE Select); coding-DNA position 1072, G replaced by C.
Protein change: p.Glu358Gln; replaces glutamic acid 358 with glutamine.
Molecular consequence: missense variant. On other transcripts: intron variant (3).
Genome position (GRCh38, 1-based): chr22:38,741,568, C>G on the plus strand (G>C on the coding strand, the complement: SUN2 is on the minus strand). VCF-style: chr22-38741568-C-G. GRCh37 (hg19) VCF-style: chr22-39137573-C-G.
Other names: c.1135G>C, p.Glu379Gln (NM_001199579.2, NM_001394428.1); c.1072G>C, p.Glu358Gln (NM_001199580.2, NM_001394431.1, NM_001394432.1 and 5 more transcripts); c.1165G>C, p.Glu389Gln (NM_001394427.1); c.1117G>C, p.Glu373Gln (NM_001394429.1, NM_001394430.1); c.982G>C, p.Glu328Gln (NM_001394438.1); c.934G>C, p.Glu312Gln (NM_001394439.1, NM_001394440.1, NM_001394441.1); c.580G>C, p.Glu194Gln (NM_001394443.1); c.615-1136G>C (NM_001394444.1, NM_001394445.1); and 1 more; short protein forms E312Q, E328Q, E389Q, E358Q, E373Q, E194Q, E379Q.
Identifiers: ClinVar variation 1465328 (VCV001465328.6), dbSNP rs2092858191, ClinGen allele CA411585124.

ClinVar aggregate classification (germline): Uncertain significance (1 of 4 stars; one submission).

Conditions:
Emery-Dreifuss muscular dystrophy (EDMD). Also called: Scapuloperoneal syndrome, X-linked (formerly); Humeroperoneal neuromuscular disease, (formerly). Identifiers: Orphanet 261, MedGen C0410189, MONDO:0016830.

Submission:

Labcorp Genetics (formerly Invitae), Labcorp
Classification: Uncertain significance for Emery-Dreifuss muscular dystrophy. Last evaluated: 2024-02-17. Review status: criteria provided, single submitter. Criteria: Invitae Variant Classification Sherloc (09022015). Collection method: clinical testing. Allele origin: germline.
Comment: This sequence change replaces glutamic acid, which is acidic and polar, with glutamine, which is neutral and polar, at codon 358 of the SUN2 protein (p.Glu358Gln). This variant is not present in population databases (gnomAD no frequency). This variant has not been reported in the literature in individuals affected with SUN2-related conditions. ClinVar contains an entry for this variant (Variation ID: 1465328). An algorithm developed to predict the effect of missense changes on protein structure and function (PolyPhen-2) suggests that this variant is likely to be tolerated. In summary, the available evidence is currently insufficient to determine the role of this variant in disease. Therefore, it has been classified as a Variant of Uncertain Significance.